The following is an entry in ClinVar:

ClinVar aggregate classification (germline): Uncertain significance (1 of 4 stars; one submission).

Allele frequency attached by ClinVar (database versions not stated): TOPMed 0.00002; ESP Exome Variant Server 0.00008; gnomAD 0.00008; ExAC 0.00010; 1000 Genomes Project 30x 0.00016; 1000 Genomes Project 0.00020.
gnomAD v4.1: 78 of 1,613,898 alleles (0.0048%); highest among the groups gnomAD compares: Non-Finnish European, 0.0027%; no homozygotes.

Submission:

Labcorp Genetics (formerly Invitae), Labcorp
Classification: Uncertain significance. Last evaluated: 2025-03-22. Review status: criteria provided, single submitter. Criteria: Invitae Variant Classification Sherloc (09022015). Collection method: clinical testing. Allele origin: germline.
Comment: This sequence change affects codon 671 of the PNPT1 mRNA. It is a 'silent' change, meaning that it does not change the encoded amino acid sequence of the PNPT1 protein. It affects a nucleotide within the consensus splice site. This variant is present in population databases (rs140561046, gnomAD 0.09%). This variant has not been reported in the literature in individuals affected with PNPT1-related conditions. ClinVar contains an entry for this variant (Variation ID: 2070275). Algorithms developed to predict the effect of sequence changes on RNA splicing suggest that this variant is not likely to affect RNA splicing. In summary, the available evidence is currently insufficient to determine the role of this variant in disease. Therefore, it has been classified as a Variant of Uncertain Significance.

NM_033109.5(PNPT1):c.2013T>C (p.Asp671=)

Gene: PNPT1 (polyribonucleotide nucleotidyltransferase 1; minus strand). Cytogenetic location: 2p16.1.
Variant type: single nucleotide variant.
Coding change: c.2013T>C on transcript NM_033109.5 (MANE Select); coding-DNA position 2013, T replaced by C.
Protein change: p.Asp671=; no amino-acid change (aspartic acid 671 retained).
Molecular consequence: synonymous variant.
Genome position (GRCh38, 1-based): chr2:55,643,319, A>G on the plus strand (T>C on the coding strand, the complement: PNPT1 is on the minus strand). VCF-style: chr2-55643319-A-G. GRCh37 (hg19) VCF-style: chr2-55870454-A-G.
Identifiers: ClinVar variation 2070275 (VCV002070275.4), dbSNP rs140561046, ClinGen allele CA1667853.